The following is an entry in ClinVar:

NM_176806.4(MOCS2):c.65G>C (p.Arg22Pro)

Gene: MOCS2 (molybdenum cofactor synthesis 2; minus strand). Cytogenetic location: 5q11.2.
Variant type: single nucleotide variant.
Coding change: c.65G>C on transcript NM_176806.4 (MANE Plus Clinical); coding-DNA position 65, G replaced by C.
Protein change: p.Arg22Pro; replaces arginine 22 with proline.
Molecular consequence: missense variant. On other transcripts: 5 prime UTR variant (1).
Genome position (GRCh38, 1-based): chr5:53,108,597, C>G on the plus strand (G>C on the coding strand, the complement: MOCS2 is on the minus strand). VCF-style: chr5-53108597-C-G. GRCh37 (hg19) VCF-style: chr5-52404427-C-G.
Other names: c.-123G>C (NM_004531.5); short protein forms R22P.
Identifiers: ClinVar variation 1491470 (VCV001491470.9), dbSNP rs577168655, ClinGen allele CA3263805.
Genomic context (GRCh38, chr5:53,108,597, plus strand): 5'-TCTATCTCCTTCCACAGCTGCAACGCTTTTATTTCTTGAGGCACAGAAATGGTCTCTGAA[C>G]GAACTCCTGTTATTTCAGCACTTTTTGCAAAATACAATACTTCAACCTGAAAGTAAAGAA-3'
Protein context (NP_789776.1, residues 12-32): FAKSAEITGV[Arg22Pro]SETISVPQEI

ClinVar aggregate classification (germline): Uncertain significance. Review status: criteria provided, multiple submitters, no conflicts (2 of 4 stars). 2 submissions from 2 submitters: Uncertain significance (2). Last evaluated 2024-02-19.

Conditions:
Sulfite oxidase deficiency due to molybdenum cofactor deficiency type B1 (MOCODB1). Also called: Molybdenum cofactor deficiency, complementation group B; MOLYBDENUM COFACTOR DEFICIENCY, TYPE B1; Molybdenum cofactor deficiency B; Sulfite oxidase deficiency due to molybdenum cofactor deficiency type B. Identifiers: Orphanet 308393, Orphanet 833, MedGen C6065887, MONDO:0009644, OMIM 252160.

gnomAD v4.1: 4 of 1,613,410 alleles (0.00025%); highest among the groups gnomAD compares: East Asian, 0.0022%; no homozygotes.

Submissions (2):

Fulgent Genetics
Classification: Uncertain significance for Sulfite oxidase deficiency due to molybdenum cofactor deficiency type B1. Last evaluated: 2024-02-19. Review status: criteria provided, single submitter. Criteria: ACMG Guidelines, 2015. Collection method: clinical testing. Allele origin: germline.

Labcorp Genetics (formerly Invitae), Labcorp
Classification: Uncertain significance. Last evaluated: 2022-09-27. Review status: criteria provided, single submitter. Criteria: Invitae Variant Classification Sherloc (09022015). Collection method: clinical testing. Allele origin: germline.
Comment: This variant is present in population databases (rs577168655, gnomAD 0.006%). This variant has not been reported in the literature in individuals affected with MOCS2A-related conditions. ClinVar contains an entry for this variant (Variation ID: 1491470). Algorithms developed to predict the effect of missense changes on protein structure and function are either unavailable or do not agree on the potential impact of this missense change (SIFT: "Tolerated"; PolyPhen-2: "Possibly Damaging"; Align-GVGD: "Class C0"). In summary, the available evidence is currently insufficient to determine the role of this variant in disease. Therefore, it has been classified as a Variant of Uncertain Significance. This sequence change replaces arginine, which is basic and polar, with proline, which is neutral and non-polar, at codon 22 of the MOCS2A protein (p.Arg22Pro).